The following is an entry in ClinVar:

NM_002017.5(FLI1):c.662C>T (p.Ser221Phe)

Gene: FLI1 (Fli-1 proto-oncogene, ETS transcription factor; plus strand). Cytogenetic location: 11q24.3.
Variant type: single nucleotide variant.
Coding change: c.662C>T on transcript NM_002017.5 (MANE Select); coding-DNA position 662, C replaced by T.
Protein change: p.Ser221Phe; replaces serine 221 with phenylalanine.
Molecular consequence: missense variant.
Genome position (GRCh38, 1-based): chr11:128,805,372, C>T. VCF-style: chr11-128805372-C-T. GRCh37 (hg19) VCF-style: chr11-128675267-C-T.
Other names: c.563C>T, p.Ser188Phe (NM_001167681.3); c.464C>T, p.Ser155Phe (NM_001271010.2); c.83C>T, p.Ser28Phe (NM_001271012.2); short protein forms S221F, S188F, S155F, S28F.
Identifiers: ClinVar variation 2206577 (VCV002206577.3), dbSNP rs1284961106, ClinGen allele CA383236494.

ClinVar aggregate classification (germline): Uncertain significance. Review status: criteria provided, multiple submitters, no conflicts (2 of 4 stars). 2 submissions from 2 submitters: Uncertain significance (2). Last evaluated 2026-01-06.

Conditions:
Inborn genetic diseases. Identifiers: MedGen C0950123, MeSH D030342.

Allele frequency attached by ClinVar (database versions not stated): TOPMed below 0.00001.
gnomAD v4.1: 3 of 1,583,882 alleles (0.00019%); highest among the groups gnomAD compares: Admixed American, 0.0053%; no homozygotes.

Submissions (2):

Labcorp Genetics (formerly Invitae), Labcorp
Classification: Uncertain significance. Last evaluated: 2026-01-06. Review status: criteria provided, single submitter. Criteria: Invitae Variant Classification Sherloc (09022015). Collection method: clinical testing. Allele origin: germline.
Comment: This sequence change replaces serine, which is neutral and polar, with phenylalanine, which is neutral and non-polar, at codon 221 of the FLI1 protein (p.Ser221Phe). The frequency data for this variant in the population databases is considered unreliable, as metrics indicate poor data quality at this position in the gnomAD database. This variant has not been reported in the literature in individuals affected with FLI1-related conditions. ClinVar contains an entry for this variant (Variation ID: 2206577). Invitae Evidence Modeling of protein sequence and biophysical properties (such as structural, functional, and spatial information, amino acid conservation, physicochemical variation, residue mobility, and thermodynamic stability) indicates that this missense variant is not expected to disrupt FLI1 protein function with a negative predictive value of 80%. In summary, the available evidence is currently insufficient to determine the role of this variant in disease. Therefore, it has been classified as a Variant of Uncertain Significance.

Ambry Genetics
Classification: Uncertain significance for Inborn genetic diseases. Last evaluated: 2022-11-08. Review status: criteria provided, single submitter. Criteria: Ambry Variant Classification Scheme 2023. Collection method: clinical testing. Allele origin: germline.